The following is an entry in ClinVar:

NM_003919.3(SGCE):c.1295C>T (p.Thr432Ile)

Genes: CASD1 (CAS1 domain sialic acid O acetyltransferase 1; plus strand), SGCE (sarcoglycan epsilon; minus strand). Cytogenetic location: 7q21.3.
Variant type: single nucleotide variant.
Coding change: c.1295C>T on transcript NM_003919.3 (MANE Select); coding-DNA position 1295, C replaced by T.
Protein change: p.Thr432Ile; replaces threonine 432 with isoleucine.
Molecular consequence: missense variant.
Genome position (GRCh38, 1-based): chr7:94,588,691, G>A on the plus strand (C>T on the coding strand, the complement: SGCE is on the minus strand). VCF-style: chr7-94588691-G-A. GRCh37 (hg19) VCF-style: chr7-94218003-G-A.
Other names: c.1172C>T, p.Thr391Ile (NM_001301139.2); c.1403C>T, p.Thr468Ile (NM_001346713.2); c.1376C>T, p.Thr459Ile (NM_001346715.2); c.1268C>T, p.Thr423Ile (NM_001346717.2, NM_001099400.2); c.1208C>T, p.Thr403Ile (NM_001346719.2); c.1022C>T, p.Thr341Ile (NM_001346720.2); c.1181C>T, p.Thr394Ile (NM_001362807.2); c.995C>T, p.Thr332Ile (NM_001362808.2); and 2 more; short protein forms T332I, T341I, T423I, T382I, T391I, T432I, T459I, T468I.
Identifiers: ClinVar variation 2738568 (VCV002738568.3), dbSNP rs1417224938, ClinGen allele CA368228223.

ClinVar aggregate classification (germline): Uncertain significance (1 of 4 stars; one submission).

Conditions:
Myoclonic dystonia 11 (DYT11). Also called: Myoclonic dystonia; Dystonia 11; Dystonia, alcohol responsive; Hereditary essential myoclonus; SGCE Myoclonus-Dystonia; Myoclonus-Dystonia. Identifiers: Orphanet 36899, MedGen C1834570, MONDO:0008044, OMIM 159900.

Allele frequency attached by ClinVar (database versions not stated): gnomAD exomes below 0.00001; TOPMed below 0.00001; gnomAD 0.00001.
gnomAD v4.1: 3 of 1,593,938 alleles (0.00019%); highest among the groups gnomAD compares: African/African-American, 0.0013%; no homozygotes.

Submission:

Labcorp Genetics (formerly Invitae), Labcorp
Classification: Uncertain significance for Myoclonic dystonia 11. Last evaluated: 2023-09-09. Review status: criteria provided, single submitter. Criteria: Invitae Variant Classification Sherloc (09022015). Collection method: clinical testing. Allele origin: germline.
Comment: In summary, the available evidence is currently insufficient to determine the role of this variant in disease. Therefore, it has been classified as a Variant of Uncertain Significance. An algorithm developed to predict the effect of missense changes on protein structure and function (PolyPhen-2) suggests that this variant is likely to be tolerated. This variant has not been reported in the literature in individuals affected with SGCE-related conditions. This variant is present in population databases (no rsID available, gnomAD 0.01%). This sequence change replaces threonine, which is neutral and polar, with isoleucine, which is neutral and non-polar, at codon 432 of the SGCE protein (p.Thr432Ile).